The following is an entry in ClinVar:

NM_015192.4(PLCB1):c.3423+11802G>T

Gene: PLCB1 (phospholipase C beta 1; plus strand). Cytogenetic location: 20p12.3.
Variant type: single nucleotide variant.
Coding change: c.3423+11802G>T on transcript NM_015192.4 (MANE Select); 11802 bases into the intron after coding-DNA position 3423, G replaced by T.
Molecular consequence: intron variant. On other transcripts: missense variant (1).
Genome position (GRCh38, 1-based): chr20:8,802,063, G>T. VCF-style: chr20-8802063-G-T. GRCh37 (hg19) VCF-style: chr20-8782710-G-T.
Other names: c.3431G>T, p.Gly1144Val (NM_182734.3); short protein forms G1144V.
Identifiers: ClinVar variation 4682207 (VCV004682207.1).

ClinVar aggregate classification (germline): Uncertain significance (1 of 4 stars; one submission).

gnomAD v4.1: 71 of 1,595,986 alleles (0.0044%); highest among the groups gnomAD compares: South Asian, 0.04%; no homozygotes.

Submission:

Athena Diagnostics
Classification: Uncertain significance. Last evaluated: 2024-12-17. Review status: criteria provided, single submitter. Criteria: Athena Diagnostics Criteria. Collection method: clinical testing. Allele origin: unknown.
Comment: Available data are insufficient to determine the clinical significance of the variant at this time. The frequency of this variant in the general population is higher than would generally be expected for pathogenic variants in this gene. Polyphen and MutationTaster predict this amino acid change may be benign.